The following is an entry in ClinVar:

ClinVar aggregate classification (germline): Uncertain significance. Review status: criteria provided, multiple submitters, no conflicts (2 of 4 stars). 2 submissions from 2 submitters: Uncertain significance (2). Last evaluated 2019-10-06.

Conditions:
Epidermolysis bullosa simplex 5B, with muscular dystrophy (EBS5B). Also called: Epidermolysis bullosa simplex with muscular dystrophy; EPIDERMOLYSIS BULLOSA SIMPLEX AND LIMB-GIRDLE MUSCULAR DYSTROPHY. Identifiers: Orphanet 257, MedGen C2931072, MONDO:0009181, OMIM 226670.
Epidermolysis bullosa simplex, Ogna type (EBS5A). Also called: Pidermolysis bullosa simplex 5A, Ogna type; EPIDERMOLYSIS BULLOSA SIMPLEX 5A, OGNA TYPE. Identifiers: Orphanet 79401, MedGen C0432317, MONDO:0007555, OMIM 131950.
Autosomal recessive limb-girdle muscular dystrophy type 2Q (LGMDR17). Also called: MUSCULAR DYSTROPHY, LIMB-GIRDLE, AUTOSOMAL RECESSIVE 17. Identifiers: Orphanet 254361, MedGen C3150989, MONDO:0013390, OMIM 613723.
Epidermolysis bullosa simplex with nail dystrophy (EBS5D). Identifiers: MedGen C4225309, MONDO:0014661, OMIM 616487.
Epidermolysis bullosa simplex 5C, with pyloric atresia (EBS5C). Also called: Epidermolysis bullosa simplex with pyloric atresia; PLEC-Related Epidermolysis Bullosa with Pyloric Atresia; PLEC1-Related Epidermolysis Bullosa with Pyloric Atresia. Identifiers: Orphanet 158684, MedGen C2677349, MONDO:0012807, OMIM 612138.

Allele frequency attached by ClinVar (database versions not stated): TOPMed below 0.00001; gnomAD 0.00001; gnomAD exomes 0.00001.
gnomAD v4.1: 4 of 1,574,002 alleles (0.00025%); highest among the groups gnomAD compares: Non-Finnish European, 0.00034%; no homozygotes.

Submissions (2):

Mayo Clinic Laboratories, Mayo Clinic
Classification: Uncertain significance. Last evaluated: 2019-10-06. Review status: criteria provided, single submitter. Criteria: ACMG Guidelines, 2015. Collection method: clinical testing. Allele origin: germline. Observed: 1 variant allele.

Labcorp Genetics (formerly Invitae), Labcorp
Classification: Uncertain significance for Autosomal recessive limb-girdle muscular dystrophy type 2Q; Epidermolysis bullosa simplex, Ogna type; Epidermolysis bullosa simplex with nail dystrophy; Epidermolysis bullosa simplex 5C, with pyloric atresia; Epidermolysis bullosa simplex 5B, with muscular dystrophy. Last evaluated: 2019-09-05. Review status: criteria provided, single submitter. Criteria: Invitae Variant Classification Sherloc (09022015). Collection method: clinical testing. Allele origin: germline.
Comment: This sequence change replaces leucine with proline at codon 3847 of the PLEC protein (p.Leu3847Pro). The leucine residue is moderately conserved and there is a moderate physicochemical difference between leucine and proline. In summary, the available evidence is currently insufficient to determine the role of this variant in disease. Therefore, it has been classified as a Variant of Uncertain Significance. Algorithms developed to predict the effect of missense changes on protein structure and function are either unavailable or do not agree on the potential impact of this missense change (SIFT: "Deleterious"; PolyPhen-2: "Probably Damaging"; Align-GVGD: "Class C0"). This variant has not been reported in the literature in individuals with PLEC-related conditions. This variant is not present in population databases (ExAC no frequency).

NM_201384.3(PLEC):c.11459T>C (p.Leu3820Pro)

Gene: PLEC (plectin; minus strand). Cytogenetic location: 8q24.3.
Variant type: single nucleotide variant.
Coding change: c.11459T>C on transcript NM_201384.3 (MANE Select); coding-DNA position 11459, T replaced by C.
Protein change: p.Leu3820Pro; replaces leucine 3820 with proline.
Molecular consequence: missense variant.
Genome position (GRCh38, 1-based): chr8:143,918,362, A>G on the plus strand (T>C on the coding strand, the complement: PLEC is on the minus strand). VCF-style: chr8-143918362-A-G. GRCh37 (hg19) VCF-style: chr8-144992530-A-G.
Other names: c.11540T>C, p.Leu3847Pro (NM_000445.5); c.11417T>C, p.Leu3806Pro (NM_201378.4); c.11393T>C, p.Leu3798Pro (NM_201379.3); c.11870T>C, p.Leu3957Pro (NM_201380.4); c.11363T>C, p.Leu3788Pro (NM_201381.3); c.11459T>C, p.Leu3820Pro (NM_201382.4); c.11471T>C, p.Leu3824Pro (NM_201383.3); short protein forms L3806P, L3820P, L3824P, L3798P, L3957P, L3788P, L3847P.
Identifiers: ClinVar variation 957027 (VCV000957027.14), dbSNP rs1269992508, ClinGen allele CA372490595.
Genomic context (GRCh38, chr8:143,918,362, plus strand): 5'-GGCTCTGACAGCTGGTCGTGCGTGTCCTTGTTGAGGTAGCCACGCTGGTAAGCCACCTCC[A>G]GGGGAAGGTGGAAGCCCAGGCGGGGGTCCACGATGCCGCCGGTGGCCAGCTGGGCATCCA-3'
Protein context (NP_958786.1, residues 3810-3830): VDPRLGFHLP[Leu3820Pro]EVAYQRGYLN